The following is an entry in ClinVar:

NM_016169.4(SUFU):c.35C>T (p.Pro12Leu)

Genes: SUFU (SUFU negative regulator of hedgehog signaling; plus strand), LOC130004614 (ATAC-STARR-seq lymphoblastoid silent region 2764; plus strand). Cytogenetic location: 10q24.32.
Variant type: single nucleotide variant.
Coding change: c.35C>T on transcript NM_016169.4 (MANE Select); coding-DNA position 35, C replaced by T.
Protein change: p.Pro12Leu; replaces proline 12 with leucine.
Molecular consequence: missense variant.
Genome position (GRCh38, 1-based): chr10:102,504,187, C>T. VCF-style: chr10-102504187-C-T. GRCh37 (hg19) VCF-style: chr10-104263944-C-T.
Other names: c.35C>T, p.Pro12Leu (NM_001178133.2); short protein forms P12L.
Identifiers: ClinVar variation 3451131 (VCV003451131.1).

ClinVar aggregate classification (germline): Uncertain significance (1 of 4 stars; one submission).

Conditions:
Hereditary cancer-predisposing syndrome. Also called: Tumor predisposition; Neoplastic Syndromes, Hereditary; Hereditary neoplastic syndrome; Hereditary Cancer Syndrome. Identifiers: Orphanet 140162, MedGen C0027672, MeSH D009386, MONDO:0015356.

Submission:

Ambry Genetics
Classification: Uncertain significance for Hereditary cancer-predisposing syndrome. Last evaluated: 2024-09-06. Review status: criteria provided, single submitter. Criteria: Ambry Variant Classification Scheme 2023. Collection method: clinical testing. Allele origin: germline.
Comment: The p.P12L variant (also known as c.35C>T), located in coding exon 1 of the SUFU gene, results from a C to T substitution at nucleotide position 35. The proline at codon 12 is replaced by leucine, an amino acid with similar properties. This amino acid position is conserved. In addition, this alteration is predicted to be tolerated by in silico analysis. Based on the available evidence, the clinical significance of this variant remains unclear.